The following is an entry in ClinVar:

NM_005223.4(DNASE1):c.6G>T (p.Arg2Ser)

Gene: DNASE1 (deoxyribonuclease 1; plus strand). Cytogenetic location: 16p13.3.
Variant type: single nucleotide variant.
Coding change: c.6G>T on transcript NM_005223.4 (MANE Select); coding-DNA position 6, G replaced by T.
Protein change: p.Arg2Ser; replaces arginine 2 with serine.
Molecular consequence: missense variant. On other transcripts: 5 prime UTR variant (1), non-coding transcript variant (2).
Genome position (GRCh38, 1-based): chr16:3,655,379, G>T. VCF-style: chr16-3655379-G-T. GRCh37 (hg19) VCF-style: chr16-3705380-G-T.
Other names: p.Arg2Ser; c.6G>T, p.Arg2Ser (NM_001351825.2, NM_001387135.1, NM_001387139.1 and 1 more transcripts); c.-113G>T (NM_001387141.1); short protein forms R2S.
Identifiers: ClinVar variation 4684069 (VCV004684069.1).
Genomic context (GRCh38, chr16:3,655,379, plus strand): 5'-TGGCAGGGATGACGTCTCACTTCTGTTATGTCTCTGTGCCCTGTGCTCTCCCAGGATGAG[G>T]GGCATGAAGCTGCTGGGGGCGCTGCTGGCACTGGCGGCCCTACTGCAGGGGGCCGTGTCC-3'
Protein context (NP_005214.2, residues 1-12): M[Arg2Ser]GMKLLGALLA

ClinVar aggregate classification (germline): Benign (1 of 4 stars; one submission).

gnomAD v4.1: 15,572 of 1,614,140 alleles (0.96%); highest among the groups gnomAD compares: African/African-American, 11%; 483 homozygotes.

Submission:

Mayo Clinic Laboratories, Mayo Clinic
Classification: Benign. Last evaluated: 2023-11-09. Review status: criteria provided, single submitter. Criteria: ACMG Guidelines, 2015. Collection method: clinical testing. Allele origin: germline. Observed: 17 variant alleles.
Comment: BA1, BS2, BS3, BP4

Literature cited by the submitters: PubMed 20417303; PubMed 24206041; PubMed 24819173; PubMed 31541133.